The following is an entry in ClinVar:

ClinVar aggregate classification (germline): Uncertain significance. Review status: criteria provided, multiple submitters, no conflicts (2 of 4 stars). 2 submissions from 2 submitters: Uncertain significance (2). Last evaluated 2024-09-18.

Conditions:
Jaw-winking syndrome. Also called: Marcus Gunn jaw winking synkinesis; JAW-WINKING; MAXILLOPALPEBRAL SYNKINESIS. Identifiers: Orphanet 91412, MedGen C0266521, MONDO:0007946, OMIM 154600, HP:0025186.
Inborn genetic diseases. Identifiers: MedGen C0950123, MeSH D030342.

Allele frequency attached by ClinVar (database versions not stated): ExAC 0.00002.
gnomAD v4.1: 32 of 1,613,980 alleles (0.002%); highest among the groups gnomAD compares: Middle Eastern, 0.016%; no homozygotes.

Submissions (2):

Ambry Genetics
Classification: Uncertain significance for Inborn genetic diseases. Last evaluated: 2024-09-18. Review status: criteria provided, single submitter. Criteria: Ambry Variant Classification Scheme 2023. Collection method: clinical testing. Allele origin: germline.

Broad Center for Mendelian Genomics, Broad Institute of MIT and Harvard
Classification: Uncertain significance for Jaw-winking syndrome. Last evaluated: 2024-02-26. Review status: criteria provided, single submitter. Criteria: ACMG Guidelines, 2015. Collection method: curation. Allele origin: germline. Inheritance: Autosomal dominant inheritance.
Comment: While this gene is still lacking sufficient evidence to establish a gene-disease association, we believe this is a possible novel gene candidate for Marcus Gunn jaw-winking syndrome. Given the limited information about this gene-disease relationship, the significance of the p.Arg1975His variant is uncertain. If you have any additional information about functional evidence or other individuals with this phenotype that also have variants in MYH10 we encourage you to reach out to the Engle Lab.

NM_001256012.3(MYH10):c.5924G>A (p.Arg1975His)

Gene: MYH10 (myosin heavy chain 10; minus strand). Cytogenetic location: 17p13.1.
Variant type: single nucleotide variant.
Coding change: c.5924G>A on transcript NM_001256012.3 (MANE Select); coding-DNA position 5924, G replaced by A.
Protein change: p.Arg1975His; replaces arginine 1975 with histidine.
Molecular consequence: missense variant.
Genome position (GRCh38, 1-based): chr17:8,475,904, C>T on the plus strand (G>A on the coding strand, the complement: MYH10 is on the minus strand). VCF-style: chr17-8475904-C-T. GRCh37 (hg19) VCF-style: chr17-8379222-C-T.
Other names: NM_005964.5:c.5831G>A; c.5831G>A (NM_005964.1); c.5858G>A, p.Arg1953His (NM_001256095.2); c.5861G>A, p.Arg1954His (NM_001375266.1); c.5831G>A, p.Arg1944His (NM_005964.5); short protein forms R1944H, R1953H, R1954H, R1975H.
Identifiers: ClinVar variation 3024411 (VCV003024411.2), dbSNP rs758465342, ClinGen allele CA8376639.